The following is an entry in ClinVar:

NM_022089.4(ATP13A2):c.2158G>T (p.Gly720Trp)

Gene: ATP13A2 (ATPase cation transporting 13A2; minus strand). Cytogenetic location: 1p36.13.
Variant type: single nucleotide variant.
Coding change: c.2158G>T on transcript NM_022089.4 (MANE Select); coding-DNA position 2158, G replaced by T.
Protein change: p.Gly720Trp; replaces glycine 720 with tryptophan.
Molecular consequence: missense variant.
Genome position (GRCh38, 1-based): chr1:16,991,827, C>A on the plus strand (G>T on the coding strand, the complement: ATP13A2 is on the minus strand). VCF-style: chr1-16991827-C-A. GRCh37 (hg19) VCF-style: chr1-17318322-C-A.
Other names: c.2143G>T, p.Gly715Trp (NM_001141973.3, NM_001141974.3); short protein forms G720W, G715W.
Identifiers: ClinVar variation 533806 (VCV000533806.6), dbSNP rs865939676, ClinGen allele CA338243709.

ClinVar aggregate classification (germline): Uncertain significance (1 of 4 stars; one submission).

Conditions:
Autosomal recessive spastic paraplegia type 78. Identifiers: Orphanet 513436, MedGen C5567893, MONDO:0014975, OMIM 617225.
Kufor-Rakeb syndrome (KRS). Also called: PARKINSON DISEASE 9, AUTOSOMAL RECESSIVE, JUVENILE-ONSET. Identifiers: Orphanet 306674, Orphanet 314632, MedGen C1847640, MONDO:0011706, OMIM 606693.

Allele frequency attached by ClinVar (database versions not stated): gnomAD exomes 0.00001.
gnomAD v4.1: 4 of 1,614,126 alleles (0.00025%); highest among the groups gnomAD compares: Non-Finnish European, 0.00034%; no homozygotes.

Submission:

Labcorp Genetics (formerly Invitae), Labcorp
Classification: Uncertain significance for Kufor-Rakeb syndrome; Autosomal recessive spastic paraplegia type 78. Last evaluated: 2021-08-31. Review status: criteria provided, single submitter. Criteria: Invitae Variant Classification Sherloc (09022015). Collection method: clinical testing. Allele origin: germline.
Comment: This sequence change replaces glycine with tryptophan at codon 720 of the ATP13A2 protein (p.Gly720Trp). The glycine residue is highly conserved and there is a large physicochemical difference between glycine and tryptophan. This variant is not present in population databases (ExAC no frequency). This variant has not been reported in the literature in individuals affected with ATP13A2-related conditions. Algorithms developed to predict the effect of missense changes on protein structure and function (SIFT, PolyPhen-2, Align-GVGD) all suggest that this variant is likely to be disruptive. In summary, the available evidence is currently insufficient to determine the role of this variant in disease. Therefore, it has been classified as a Variant of Uncertain Significance.